The following is an entry in ClinVar:

NM_198578.4(LRRK2):c.4142G>A (p.Arg1381Lys)

Gene: LRRK2 (leucine rich repeat kinase 2; plus strand). Cytogenetic location: 12q12.
Variant type: single nucleotide variant.
Coding change: c.4142G>A on transcript NM_198578.4 (MANE Select); coding-DNA position 4142, G replaced by A.
Protein change: p.Arg1381Lys; replaces arginine 1381 with lysine.
Molecular consequence: missense variant.
Genome position (GRCh38, 1-based): chr12:40,308,649, G>A. VCF-style: chr12-40308649-G-A. GRCh37 (hg19) VCF-style: chr12-40702451-G-A.
Other names: short protein forms R1381K.
Identifiers: ClinVar variation 2562440 (VCV002562440.2), dbSNP rs527709576, ClinGen allele CA384417842.

ClinVar aggregate classification (germline): Uncertain significance (1 of 4 stars; one submission).

Conditions:
Inborn genetic diseases. Identifiers: MedGen C0950123, MeSH D030342.

Submission:

Ambry Genetics
Classification: Uncertain significance for Inborn genetic diseases. Last evaluated: 2023-05-18. Review status: criteria provided, single submitter. Criteria: Ambry Variant Classification Scheme 2023. Collection method: clinical testing. Allele origin: germline.
Comment: The p.R1381K variant (also known as c.4142G>A), located in coding exon 29 of the LRRK2 gene, results from a G to A substitution at nucleotide position 4142. The arginine at codon 1381 is replaced by lysine, an amino acid with highly similar properties. This amino acid position is conserved. In addition, this alteration is predicted to be tolerated by in silico analysis. Since supporting evidence is limited at this time, the clinical significance of this alteration remains unclear.